The following is an entry in ClinVar:

NM_001122752.2(SERPINI1):c.596C>T (p.Thr199Ile)

Gene: SERPINI1 (serpin family I member 1; plus strand). Cytogenetic location: 3q26.1.
Variant type: single nucleotide variant.
Coding change: c.596C>T on transcript NM_001122752.2 (MANE Select); coding-DNA position 596, C replaced by T.
Protein change: p.Thr199Ile; replaces threonine 199 with isoleucine.
Molecular consequence: missense variant.
Genome position (GRCh38, 1-based): chr3:167,792,704, C>T. VCF-style: chr3-167792704-C-T. GRCh37 (hg19) VCF-style: chr3-167510492-C-T.
Other names: c.596C>T, p.Thr199Ile (NM_005025.5); short protein forms T199I.
Identifiers: ClinVar variation 1464734 (VCV001464734.8), dbSNP rs61761892, ClinGen allele CA2694840.

ClinVar aggregate classification (germline): Uncertain significance (1 of 4 stars; one submission).

Conditions:
Familial encephalopathy with neuroserpin inclusion bodies. Also called: ENCEPHALOPATHY, FAMILIAL, WITH COLLINS BODIES. Identifiers: Orphanet 85110, MedGen C1858680, MONDO:0011412, OMIM 604218.

Allele frequency attached by ClinVar (database versions not stated): gnomAD exomes 0.00001; ExAC 0.00002.
gnomAD v4.1: 11 of 1,613,802 alleles (0.00068%); highest among the groups gnomAD compares: South Asian, 0.011%; no homozygotes.

Submission:

Labcorp Genetics (formerly Invitae), Labcorp
Classification: Uncertain significance for Familial encephalopathy with neuroserpin inclusion bodies. Last evaluated: 2024-03-18. Review status: criteria provided, single submitter. Criteria: Invitae Variant Classification Sherloc (09022015). Collection method: clinical testing. Allele origin: germline.
Comment: This sequence change replaces threonine, which is neutral and polar, with isoleucine, which is neutral and non-polar, at codon 199 of the SERPINI1 protein (p.Thr199Ile). This variant is present in population databases (rs61761892, gnomAD 0.01%). This variant has not been reported in the literature in individuals affected with SERPINI1-related conditions. ClinVar contains an entry for this variant (Variation ID: 1464734). Advanced modeling of protein sequence and biophysical properties (such as structural, functional, and spatial information, amino acid conservation, physicochemical variation, residue mobility, and thermodynamic stability) has been performed at Invitae for this missense variant, however the output from this modeling did not meet the statistical confidence thresholds required to predict the impact of this variant on SERPINI1 protein function. In summary, the available evidence is currently insufficient to determine the role of this variant in disease. Therefore, it has been classified as a Variant of Uncertain Significance.